The following is an entry in ClinVar:

ClinVar aggregate classification (germline): Uncertain significance (1 of 4 stars; one submission).

Submission:

Labcorp Genetics (formerly Invitae), Labcorp
Classification: Uncertain significance. Last evaluated: 2025-05-18. Review status: criteria provided, single submitter. Criteria: Invitae Variant Classification Sherloc (09022015). Collection method: clinical testing. Allele origin: germline.
Comment: This sequence change replaces leucine, which is neutral and non-polar, with valine, which is neutral and non-polar, at codon 251 of the NFKB1 protein (p.Leu251Val). This variant is not present in population databases (gnomAD no frequency). This variant has not been reported in the literature in individuals affected with NFKB1-related conditions. Invitae Evidence Modeling of protein sequence and biophysical properties (such as structural, functional, and spatial information, amino acid conservation, physicochemical variation, residue mobility, and thermodynamic stability) indicates that this missense variant is expected to disrupt NFKB1 protein function with a positive predictive value of 80%. In summary, the available evidence is currently insufficient to determine the role of this variant in disease. Therefore, it has been classified as a Variant of Uncertain Significance.

NM_003998.4(NFKB1):c.751T>G (p.Leu251Val)

Gene: NFKB1 (nuclear factor kappa B subunit 1; plus strand). Cytogenetic location: 4q24.
Variant type: single nucleotide variant.
Coding change: c.751T>G on transcript NM_003998.4 (MANE Select); coding-DNA position 751, T replaced by G.
Protein change: p.Leu251Val; replaces leucine 251 with valine.
Molecular consequence: missense variant.
Genome position (GRCh38, 1-based): chr4:102,580,555, T>G. VCF-style: chr4-102580555-T-G. GRCh37 (hg19) VCF-style: chr4-103501712-T-G.
Other names: c.748T>G, p.Leu250Val (NM_001165412.2, NM_001319226.2, NM_001382627.1); c.751T>G, p.Leu251Val (NM_001382625.1, NM_001382626.1); c.709T>G, p.Leu237Val (NM_001382628.1); short protein forms L237V, L251V, L250V.
Identifiers: ClinVar variation 4742211 (VCV004742211.1).